The following is an entry in ClinVar:

NM_018082.6(POLR3B):c.2109C>A (p.Asn703Lys)

Gene: POLR3B (RNA polymerase III subunit B; plus strand). Cytogenetic location: 12q23.3.
Variant type: single nucleotide variant.
Coding change: c.2109C>A on transcript NM_018082.6 (MANE Select); coding-DNA position 2109, C replaced by A.
Protein change: p.Asn703Lys; replaces asparagine 703 with lysine.
Molecular consequence: missense variant.
Genome position (GRCh38, 1-based): chr12:106,454,527, C>A. VCF-style: chr12-106454527-C-A. GRCh37 (hg19) VCF-style: chr12-106848305-C-A.
Other names: c.1935C>A, p.Asn645Lys (NM_001160708.2); short protein forms N703K, N645K.
Identifiers: ClinVar variation 4795594 (VCV004795594.1).
Genomic context (GRCh38, chr12:106,454,527, plus strand): 5'-AATGTTGTATTTTGTTTTCTCCCATATCAATGCAGGTACTATAGGATACAACCAGCGAAA[C>A]AGAATTGATACTCTCATGTATCTACTAGCATATCCACAAAAACCCATGGTTAAGACAAAA-3'
Protein context (NP_060552.4, residues 693-713): AMGTIGYNQR[Asn703Lys]RIDTLMYLLA

ClinVar aggregate classification (germline): Uncertain significance (1 of 4 stars; one submission).

Submission:

GeneDx
Classification: Uncertain significance. Last evaluated: 2025-08-11. Review status: criteria provided, single submitter. Criteria: GeneDx Variant Classification Process June 2021. Collection method: clinical testing. Allele origin: germline. Affected: yes.
Comment: Not observed at significant frequency in large population cohorts (gnomAD); In silico analysis supports that this missense variant has a deleterious effect on protein structure/function; Has not been previously published as pathogenic or benign to our knowledge